The following is an entry in ClinVar:

ClinVar aggregate classification (germline): Uncertain significance. Review status: criteria provided, multiple submitters, no conflicts (2 of 4 stars). 2 submissions from 2 submitters: Uncertain significance (2). Last evaluated 2026-01-06.

Conditions:
Hereditary cancer-predisposing syndrome. Also called: Hereditary Cancer Syndrome; Neoplastic Syndromes, Hereditary; Tumor predisposition; Hereditary neoplastic syndrome. Identifiers: Orphanet 140162, MedGen C0027672, MeSH D009386, MONDO:0015356.
Melanoma, cutaneous malignant, susceptibility to, 8. Also called: MELANOMA AND RENAL CELL CARCINOMA, SUSCEPTIBILITY TO; Cutaneous malignant melanoma 8. Identifiers: Orphanet 293822, MedGen C3152204, MONDO:0013759, OMIM 614456.
Tietz syndrome (TADS). Also called: ALBINISM-DEAFNESS OF TIETZ; HYPOPIGMENTATION/DEAFNESS OF TIETZ; TIETZ ALBINISM-DEAFNESS SYNDROME. Identifiers: Orphanet 42665, MedGen C0391816, MONDO:0007077, OMIM 103500.
Waardenburg syndrome type 2A (WS2A). Also called: WAARDENBURG SYNDROME WITHOUT DYSTOPIA CANTHORUM. Identifiers: Orphanet 3440, MedGen C1860339, MONDO:0008671, OMIM 193510.

gnomAD v4.1: 9 of 1,614,022 alleles (0.00056%); highest among the groups gnomAD compares: African/African-American, 0.0013%; no homozygotes.

Submissions (2):

Ambry Genetics
Classification: Uncertain significance for Hereditary cancer-predisposing syndrome. Last evaluated: 2026-01-06. Review status: criteria provided, single submitter. Criteria: Ambry Variant Classification Scheme 2023. Collection method: clinical testing. Allele origin: germline.
Comment: The p.Y364C variant (also known as c.1091A>G), located in coding exon 9 of the MITF gene, results from an A to G substitution at nucleotide position 1091. The tyrosine at codon 364 is replaced by cysteine, an amino acid with highly dissimilar properties. This amino acid position is conserved. In addition, this alteration is predicted to be tolerated by in silico analysis. Based on the available evidence, the clinical significance of this variant remains unclear.

Labcorp Genetics (formerly Invitae), Labcorp
Classification: Uncertain significance for Melanoma, cutaneous malignant, susceptibility to, 8; Waardenburg syndrome type 2A; Tietz syndrome. Last evaluated: 2024-09-15. Review status: criteria provided, single submitter. Criteria: Invitae Variant Classification Sherloc (09022015). Collection method: clinical testing. Allele origin: germline.
Comment: This sequence change replaces tyrosine, which is neutral and polar, with cysteine, which is neutral and slightly polar, at codon 364 of the MITF protein (p.Tyr364Cys). This variant is not present in population databases (gnomAD no frequency). This variant has not been reported in the literature in individuals affected with MITF-related conditions. Invitae Evidence Modeling of protein sequence and biophysical properties (such as structural, functional, and spatial information, amino acid conservation, physicochemical variation, residue mobility, and thermodynamic stability) indicates that this missense variant is not expected to disrupt MITF protein function with a negative predictive value of 80%. In summary, the available evidence is currently insufficient to determine the role of this variant in disease. Therefore, it has been classified as a Variant of Uncertain Significance.

NM_001354604.2(MITF):c.1412A>G (p.Tyr471Cys)

Gene: MITF (melanocyte inducing transcription factor; plus strand). Cytogenetic location: 3p13.
Variant type: single nucleotide variant.
Coding change: c.1412A>G on transcript NM_001354604.2 (MANE Select); coding-DNA position 1412, A replaced by G.
Protein change: p.Tyr471Cys; replaces tyrosine 471 with cysteine.
Molecular consequence: missense variant.
Genome position (GRCh38, 1-based): chr3:69,965,079, A>G. VCF-style: chr3-69965079-A-G. GRCh37 (hg19) VCF-style: chr3-70014230-A-G.
Other names: c.1091A>G, p.Tyr364Cys (NM_000248.4); c.1238A>G, p.Tyr413Cys (NM_001184967.2, NM_001354608.2); c.1409A>G, p.Tyr470Cys (NM_001354605.2); c.1391A>G, p.Tyr464Cys (NM_001354606.2, NM_006722.3); c.1343A>G, p.Tyr448Cys (NM_001354607.2); c.1073A>G, p.Tyr358Cys (NM_198158.3); c.1394A>G, p.Tyr465Cys (NM_198159.3); c.1346A>G, p.Tyr449Cys (NM_198177.3); and 1 more; short protein forms Y302C, Y358C, Y364C, Y413C, Y448C, Y449C, Y464C, Y465C.
Identifiers: ClinVar variation 3763123 (VCV003763123.3).